The following is an entry in ClinVar:

NM_021870.3(FGG):c.425C>G (p.Ser142Ter)

Gene: FGG (fibrinogen gamma chain; minus strand). Cytogenetic location: 4q32.1.
Variant type: single nucleotide variant.
Coding change: c.425C>G on transcript NM_021870.3 (MANE Select); coding-DNA position 425, C replaced by G.
Protein change: p.Ser142Ter; replaces serine 142 with a stop codon.
Molecular consequence: nonsense.
Genome position (GRCh38, 1-based): chr4:154,610,174, G>C on the plus strand (C>G on the coding strand, the complement: FGG is on the minus strand). VCF-style: chr4-154610174-G-C. GRCh37 (hg19) VCF-style: chr4-155531326-G-C.
Other names: c.425C>G, p.Ser142Ter (NM_000509.6); short protein forms S142*.
Identifiers: ClinVar variation 4996438 (VCV004996438.1).

ClinVar aggregate classification (germline): Likely pathogenic (1 of 4 stars; one submission).

Conditions:
FGG-related disorder. Also called: FGG-related condition.

Submission:

PreventionGenetics, part of Exact Sciences
Classification: Likely pathogenic for FGG-related condition. Last evaluated: 2026-05-11. Review status: criteria provided, single submitter. Criteria: ACMG Guidelines, 2015. Collection method: clinical testing. Allele origin: germline.
Comment: The FGG c.425C>G variant is predicted to result in premature protein termination (p.Ser142*). To our knowledge, this variant has not been reported in the literature or in a large population database (gnomAD), indicating this variant is rare. Nonsense variants in FGG are expected to be pathogenic. This variant is interpreted as likely pathogenic.